The following is an entry in ClinVar:

ClinVar aggregate classification (germline): Uncertain significance (1 of 4 stars; one submission).

Conditions:
Hereditary spastic paraplegia 31. Also called: SPASTIC PARAPLEGIA 31, AUTOSOMAL DOMINANT. Identifiers: Orphanet 101011, MedGen C1853247, MONDO:0012453, OMIM 610250.

Allele frequency attached by ClinVar (database versions not stated): gnomAD exomes 0.00001; ExAC 0.00002; TOPMed 0.00002.
gnomAD v4.1: 15 of 1,613,688 alleles (0.00093%); highest among the groups gnomAD compares: Admixed American, 0.0033%; no homozygotes.

Submission:

Labcorp Genetics (formerly Invitae), Labcorp
Classification: Uncertain significance for Hereditary spastic paraplegia 31. Last evaluated: 2024-04-22. Review status: criteria provided, single submitter. Criteria: Invitae Variant Classification Sherloc (09022015). Collection method: clinical testing. Allele origin: germline.
Comment: This sequence change replaces alanine, which is neutral and non-polar, with threonine, which is neutral and polar, at codon 130 of the REEP1 protein (p.Ala130Thr). This variant is present in population databases (rs777316624, gnomAD 0.006%). This variant has not been reported in the literature in individuals affected with REEP1-related conditions. ClinVar contains an entry for this variant (Variation ID: 1045663). An algorithm developed to predict the effect of missense changes on protein structure and function (PolyPhen-2) suggests that this variant is likely to be disruptive. In summary, the available evidence is currently insufficient to determine the role of this variant in disease. Therefore, it has been classified as a Variant of Uncertain Significance.

NM_001371279.1(REEP1):c.388G>A (p.Ala130Thr)

Gene: REEP1 (receptor accessory protein 1; minus strand). Cytogenetic location: 2p11.2.
Variant type: single nucleotide variant.
Coding change: c.388G>A on transcript NM_001371279.1 (MANE Select); coding-DNA position 388, G replaced by A.
Protein change: p.Ala130Thr; replaces alanine 130 with threonine.
Molecular consequence: missense variant. On other transcripts: intron variant (1).
Genome position (GRCh38, 1-based): chr2:86,251,986, C>T on the plus strand (G>A on the coding strand, the complement: REEP1 is on the minus strand). VCF-style: chr2-86251986-C-T. GRCh37 (hg19) VCF-style: chr2-86479109-C-T.
Other names: c.409G>A, p.Ala137Thr (NM_001164730.2); c.307G>A, p.Ala103Thr (NM_001164731.2); c.388G>A, p.Ala130Thr (NM_001371280.1, NM_022912.3); c.182+11979G>A (NM_001164732.2); short protein forms A130T, A137T, A103T.
Identifiers: ClinVar variation 1045663 (VCV001045663.8), dbSNP rs777316624, ClinGen allele CA1748757.